The following is an entry in ClinVar:

NM_000388.4(CASR):c.1493C>A (p.Pro498Gln)

Gene: CASR (calcium sensing receptor; plus strand). Cytogenetic location: 3q21.1.
Variant type: single nucleotide variant.
Coding change: c.1493C>A on transcript NM_000388.4 (MANE Select); coding-DNA position 1493, C replaced by A.
Protein change: p.Pro498Gln; replaces proline 498 with glutamine.
Molecular consequence: missense variant.
Genome position (GRCh38, 1-based): chr3:122,275,927, C>A. VCF-style: chr3-122275927-C-A. GRCh37 (hg19) VCF-style: chr3-121994774-C-A.
Other names: c.1493C>A, p.Pro498Gln (NM_001178065.2); short protein forms P498Q.
Identifiers: ClinVar variation 2928891 (VCV002928891.3), dbSNP rs2473257975, ClinGen allele CA354155217.
Genomic context (GRCh38, chr3:122,275,927, plus strand): 5'-CCTTTGATGAGTGTGGTGACCTGGTGGGGAACTATTCCATCATCAACTGGCACCTCTCCC[C>A]AGAGGATGGCTCCATCGTGTTTAAGGAAGTCGGGTATTACAACGTCTATGCCAAGAAGGG-3'
Protein context (NP_000379.3, residues 488-508): NYSIINWHLS[Pro498Gln]EDGSIVFKEV

ClinVar aggregate classification (germline): Uncertain significance (1 of 4 stars; one submission).

Conditions:
Autosomal dominant hypocalcemia 1 (HYPOC1). Also called: HYPOCALCEMIA, FAMILIAL. Identifiers: MedGen C3715128, MONDO:0011013, OMIM 601198.
Familial hypocalciuric hypercalcemia (FHH). Also called: Familial benign hypercalcemia. Identifiers: Orphanet 405, MedGen C1809471, MONDO:0018458.

Allele frequency attached by ClinVar (database versions not stated): gnomAD exomes below 0.00001.
gnomAD v4.1: 3 of 1,614,004 alleles (0.00019%); highest among the groups gnomAD compares: Non-Finnish European, 0.00025%; no homozygotes.

Submission:

Labcorp Genetics (formerly Invitae), Labcorp
Classification: Uncertain significance for Familial hypocalciuric hypercalcemia; Autosomal dominant hypocalcemia 1. Last evaluated: 2023-10-16. Review status: criteria provided, single submitter. Criteria: Invitae Variant Classification Sherloc (09022015). Collection method: clinical testing. Allele origin: germline.
Comment: This sequence change replaces proline, which is neutral and non-polar, with glutamine, which is neutral and polar, at codon 498 of the CASR protein (p.Pro498Gln). This variant is not present in population databases (gnomAD no frequency). This variant has not been reported in the literature in individuals affected with CASR-related conditions. An algorithm developed to predict the effect of missense changes on protein structure and function (PolyPhen-2) suggests that this variant is likely to be tolerated. In summary, the available evidence is currently insufficient to determine the role of this variant in disease. Therefore, it has been classified as a Variant of Uncertain Significance.